The following is an entry in ClinVar:

ClinVar aggregate classification (germline): Uncertain significance (1 of 4 stars; one submission).

gnomAD v4.1: 1 of 1,211,096 alleles (0.000083%); no homozygotes.

Submission:

GeneDx
Classification: Uncertain significance. Last evaluated: 2019-09-05. Review status: criteria provided, single submitter. Criteria: GeneDx Variant Classification Process June 2021. Collection method: clinical testing. Allele origin: germline. Affected: yes.
Comment: Not observed in large population cohorts (Lek et al., 2016); In silico analysis, which includes protein predictors and evolutionary conservation, supports that this variant does not alter protein structure/function; Has not been previously published as pathogenic or benign to our knowledge

NM_001353921.2(ARHGEF9):c.934C>A (p.Leu312Ile)

Gene: ARHGEF9 (Cdc42 guanine nucleotide exchange factor 9; minus strand). Cytogenetic location: Xq11.1.
Variant type: single nucleotide variant.
Coding change: c.934C>A on transcript NM_001353921.2 (MANE Select); coding-DNA position 934, C replaced by A.
Protein change: p.Leu312Ile; replaces leucine 312 with isoleucine.
Molecular consequence: missense variant.
Genome position (GRCh38, 1-based): chrX:63,674,049, G>T on the plus strand (C>A on the coding strand, the complement: ARHGEF9 is on the minus strand). VCF-style: chrX-63674049-G-T. GRCh37 (hg19) VCF-style: chrX-62893929-G-T.
Other names: c.754C>A, p.Leu252Ile (NM_001173479.2); c.607C>A, p.Leu203Ile (NM_001173480.2, NM_001369042.1); c.850C>A, p.Leu284Ile (NM_001330495.2, NM_001353927.2, NM_001369033.1 and 8 more transcripts); c.934C>A, p.Leu312Ile (NM_001353922.2); c.952C>A, p.Leu318Ile (NM_001353923.1); c.733C>A, p.Leu245Ile (NM_001353924.2, NM_001353926.2, NM_001369039.1 and 1 more transcripts); c.913C>A, p.Leu305Ile (NM_001353928.2, NM_001369030.1, NM_001369031.1 and 2 more transcripts); c.499C>A, p.Leu167Ile (NM_001369045.1); short protein forms L305I, L312I, L318I, L203I, L167I, L252I, L284I, L245I.
Identifiers: ClinVar variation 385764 (VCV000385764.3), dbSNP rs1057522323, ClinGen allele CA16608897.